The following is an entry in ClinVar:

NM_000492.4(CFTR):c.97G>T (p.Glu33Ter)

Gene: CFTR (CF transmembrane conductance regulator; plus strand). Cytogenetic location: 7q31.2.
Variant type: single nucleotide variant.
Coding change: c.97G>T on transcript NM_000492.4 (MANE Select); coding-DNA position 97, G replaced by T.
Protein change: p.Glu33Ter; replaces glutamic acid 33 with a stop codon.
Molecular consequence: nonsense.
Genome position (GRCh38, 1-based): chr7:117,504,296, G>T. VCF-style: chr7-117504296-G-T. GRCh37 (hg19) VCF-style: chr7-117144350-G-T.
Other names: E33X; short protein forms E33*.
Identifiers: ClinVar variation 1706023 (VCV001706023.1), dbSNP rs1798379068, ClinGen allele CA368987092.

ClinVar aggregate classification (germline): Likely pathogenic (1 of 4 stars; one submission).

Conditions:
Cystic fibrosis (CF). Also called: MUCOVISCIDOSIS. Identifiers: Orphanet 586, MedGen C0010674, MONDO:0009061, OMIM 219700. Disease mechanism: loss of function.

Submission:

Institute of Human Genetics, University of Leipzig Medical Center
Classification: Likely pathogenic for Cystic fibrosis. Last evaluated: 2022-09-05. Review status: criteria provided, single submitter. Criteria: ACMG Guidelines, 2015. Collection method: curation. Allele origin: unknown. Affected: yes. Observed: 1 variant allele.
Comment: The variant was classified in the context of a project re-classifying variants in the German Cystic Fibrosis Registry (Muko.e.V.). Criteria applied: PVS1_MOD, PM2_SUP, PM3, PP4